The following is an entry in ClinVar:

NM_001371596.2(MFSD8):c.106T>C (p.Trp36Arg)

Gene: MFSD8 (major facilitator superfamily domain containing 8; minus strand). Cytogenetic location: 4q28.2.
Variant type: single nucleotide variant.
Coding change: c.106T>C on transcript NM_001371596.2 (MANE Select); coding-DNA position 106, T replaced by C.
Protein change: p.Trp36Arg; replaces tryptophan 36 with arginine.
Molecular consequence: missense variant. On other transcripts: 5 prime UTR variant (1).
Genome position (GRCh38, 1-based): chr4:127,957,549, A>G on the plus strand (T>C on the coding strand, the complement: MFSD8 is on the minus strand). VCF-style: chr4-127957549-A-G. GRCh37 (hg19) VCF-style: chr4-128878704-A-G.
Other names: c.106T>C (NM_152778.2); c.106T>C, p.Trp36Arg (NM_001363520.3, NM_001363521.3, NM_001371591.2 and 5 more transcripts); c.-30T>C (NM_001371590.2, NM_001371595.1, NM_001410765.1); short protein forms W36R.
Identifiers: ClinVar variation 1358068 (VCV001358068.5), dbSNP rs200001979, ClinGen allele CA105641715.

ClinVar aggregate classification (germline): Uncertain significance. Review status: criteria provided, single submitter (1 of 4 stars). 2 submissions from 2 submitters: Uncertain significance (1). 1 of the submissions does not count toward it. Last evaluated 2022-01-13.

Conditions:
Late-infantile neuronal ceroid lipofuscinosis. Also called: Jansky-Bielschowsky disease. Identifiers: MedGen C0022340, MONDO:0015674.
Neuronal ceroid lipofuscinosis 7 (CLN7). Also called: MFSD8-Related Neuronal Ceroid-Lipofuscinosis. Identifiers: Orphanet 168491, Orphanet 228366, MedGen C1838571, MONDO:0012588, OMIM 610951.

Allele frequency attached by ClinVar (database versions not stated): gnomAD exomes below 0.00001; gnomAD 0.00001; 1000 Genomes Project 0.00020; 1000 Genomes Project 30x 0.00031.
gnomAD v4.1: 3 of 1,612,058 alleles (0.00019%); highest among the groups gnomAD compares: Non-Finnish European, 0.00017%; no homozygotes.

Submissions (2):

Labcorp Genetics (formerly Invitae), Labcorp
Classification: Uncertain significance for Neuronal ceroid lipofuscinosis 7. Last evaluated: 2022-01-13. Review status: criteria provided, single submitter. Criteria: Invitae Variant Classification Sherloc (09022015). Collection method: clinical testing. Allele origin: germline.
Comment: This sequence change replaces tryptophan, which is neutral and slightly polar, with arginine, which is basic and polar, at codon 36 of the MFSD8 protein (p.Trp36Arg). This variant is not present in population databases (gnomAD no frequency). This variant has not been reported in the literature in individuals affected with MFSD8-related conditions. Algorithms developed to predict the effect of missense changes on protein structure and function are either unavailable or do not agree on the potential impact of this missense change (SIFT: "Deleterious"; PolyPhen-2: "Possibly Damaging"; Align-GVGD: "Class C0"). In summary, the available evidence is currently insufficient to determine the role of this variant in disease. Therefore, it has been classified as a Variant of Uncertain Significance.

Natera, Inc.
Classification: Uncertain significance for Late-infantile neuronal ceroid lipofuscinosis. Last evaluated: 2025-02-03. Review status: no assertion criteria provided. Collection method: clinical testing. Allele origin: germline. Not counted in ClinVar's aggregate classification.